The following is an entry in ClinVar:

ClinVar aggregate classification (germline): Likely benign. Review status: criteria provided, multiple submitters, no conflicts (2 of 4 stars). 4 submissions from 4 submitters: Likely benign (4). Last evaluated 2025-11-10.

Conditions:
Ehlers-Danlos syndrome, classic type, 1 (EDSCL1). Also called: Ehlers-Danlos syndrome, type 1; EHLERS-DANLOS SYNDROME, GRAVIS TYPE; EHLERS-DANLOS SYNDROME, SEVERE CLASSIC TYPE; EDS I; Ehlers-Danlos Syndrome, Classic Type, COL5A1-Related. Identifiers: MedGen C0268335, MONDO:0019567, OMIM 130000.

Allele frequency attached by ClinVar (database versions not stated): gnomAD 0.00002; TOPMed 0.00002; ExAC 0.00003; gnomAD exomes 0.00003 and 0.00004.
gnomAD v4.1: 63 of 1,613,904 alleles (0.0039%); highest among the groups gnomAD compares: Non-Finnish European, 0.0053%; no homozygotes.

Submissions (4):

Women's Health and Genetics/Laboratory Corporation of America, LabCorp
Classification: Likely benign. Last evaluated: 2025-11-10. Review status: criteria provided, single submitter. Criteria: LabCorp Variant Classification Summary - May 2015. Collection method: clinical testing. Allele origin: germline.

Labcorp Genetics (formerly Invitae), Labcorp
Classification: Likely benign for Ehlers-Danlos syndrome, classic type, 1. Last evaluated: 2025-09-04. Review status: criteria provided, single submitter. Criteria: Invitae Variant Classification Sherloc (09022015). Collection method: clinical testing. Allele origin: germline.

Blueprint Genetics
Classification: Likely benign. Last evaluated: 2024-02-22. Review status: criteria provided, single submitter. Criteria: ACMG Guidelines, 2015. Collection method: clinical testing. Allele origin: germline.

GeneDx
Classification: Likely benign. Last evaluated: 2017-07-13. Review status: criteria provided, single submitter. Criteria: GeneDx Variant Classification (06012015). Collection method: clinical testing. Allele origin: germline. Affected: yes.
Comment: This variant is considered likely benign or benign based on one or more of the following criteria: it is a conservative change, it occurs at a poorly conserved position in the protein, it is predicted to be benign by multiple in silico algorithms, and/or has population frequency not consistent with disease.

NM_000093.5(COL5A1):c.1431+11G>A

Gene: COL5A1 (collagen type V alpha 1 chain; plus strand). Cytogenetic location: 9q34.3.
Variant type: single nucleotide variant.
Coding change: c.1431+11G>A on transcript NM_000093.5 (MANE Select); 11 bases into the intron after coding-DNA position 1431, G replaced by A.
Molecular consequence: intron variant.
Genome position (GRCh38, 1-based): chr9:134,738,526, G>A. VCF-style: chr9-134738526-G-A. GRCh37 (hg19) VCF-style: chr9-137630372-G-A.
Other names: c.1431+11G>A (NM_001278074.1).
Identifiers: ClinVar variation 510781 (VCV000510781.11), dbSNP rs768116740, ClinGen allele CA5318791.
Genomic context (GRCh38, chr9:134,738,526, plus strand): 5'-CTCCCCAGGGCATGCTCATCGAGGGCCCGCCTGGCCCAGAAGGCCCCGCGGTGAGTATCC[G>A]GCTTTATCCTGTGACTTGCAGAAGGTGCTCTTGGTGGGGTGGGGTTGGTGACACCCCTTA-3'